The following is an entry in ClinVar:

NM_004444.5(EPHB4):c.29C>A (p.Ala10Asp)

Genes: EPHB4 (EPH receptor B4; minus strand), SLC12A9 (solute carrier family 12 member 9; plus strand). Cytogenetic location: 7q22.1.
Variant type: single nucleotide variant.
Coding change: c.29C>A on transcript NM_004444.5 (MANE Select); coding-DNA position 29, C replaced by A.
Protein change: p.Ala10Asp; replaces alanine 10 with aspartic acid.
Molecular consequence: missense variant. On other transcripts: 5 prime UTR variant (1).
Genome position (GRCh38, 1-based): chr7:100,827,002, G>T on the plus strand (C>A on the coding strand, the complement: EPHB4 is on the minus strand). VCF-style: chr7-100827002-G-T. GRCh37 (hg19) VCF-style: chr7-100424624-G-T.
Other names: c.-27G>T (NM_001363494.1); short protein forms A10D.
Identifiers: ClinVar variation 1330493 (VCV001330493.8), dbSNP rs1429727921, ClinGen allele CA368585830.

ClinVar aggregate classification (germline): Uncertain significance. Review status: criteria provided, multiple submitters, no conflicts (2 of 4 stars). 2 submissions from 2 submitters: Uncertain significance (2). Last evaluated 2026-04-13.

Allele frequency attached by ClinVar (database versions not stated): TOPMed 0.00001.

Submissions (2):

GeneDx
Classification: Uncertain significance. Last evaluated: 2026-04-13. Review status: criteria provided, single submitter. Criteria: GeneDx Variant Classification Process June 2021. Collection method: clinical testing. Allele origin: germline.
Comment: Not observed at significant frequency in large population cohorts (gnomAD); In silico analysis suggests that this missense variant does not alter protein structure/function; Has not been previously published as pathogenic or benign to our knowledge

ARUP Laboratories, Molecular Genetics and Genomics, ARUP Laboratories
Classification: Uncertain significance. Last evaluated: 2020-12-29. Review status: criteria provided, single submitter. Criteria: ARUP Molecular Germline Variant Investigation Process 2021. Collection method: clinical testing. Allele origin: germline.
Comment: The EPHB4 c.29C>A; p.Ala10Asp variant, to our knowledge, is not reported in the medical literature or gene-specific databases. This variant is absent from general population databases (Exome Variant Server, Genome Aggregation Database), indicating it is not a common polymorphism. The alanine at codon 10 is moderately conserved, and computational analyses are uncertain whether this variant is neutral or deleterious (REVEL: 0.505). However, due to limited information, the clinical significance of the p.Ala10Asp variant is uncertain at this time.